The following is an entry in ClinVar:

NM_020693.4(DSCAML1):c.2807C>G (p.Ser936Cys)

Gene: DSCAML1 (DS cell adhesion molecule like 1; minus strand). Cytogenetic location: 11q23.3.
Variant type: single nucleotide variant.
Coding change: c.2807C>G on transcript NM_020693.4 (MANE Select); coding-DNA position 2807, C replaced by G.
Protein change: p.Ser936Cys; replaces serine 936 with cysteine.
Molecular consequence: missense variant.
Genome position (GRCh38, 1-based): chr11:117,472,015, G>C on the plus strand (C>G on the coding strand, the complement: DSCAML1 is on the minus strand). VCF-style: chr11-117472015-G-C. GRCh37 (hg19) VCF-style: chr11-117342730-G-C.
Other names: short protein forms S936C.
Identifiers: ClinVar variation 1920434 (VCV001920434.5), dbSNP rs917498149, ClinGen allele CA229374881.

ClinVar aggregate classification (germline): Uncertain significance (1 of 4 stars; one submission).

Allele frequency attached by ClinVar (database versions not stated): gnomAD exomes below 0.00001; gnomAD 0.00002; TOPMed 0.00002.
gnomAD v4.1: 5 of 1,613,986 alleles (0.00031%); highest among the groups gnomAD compares: African/African-American, 0.0067%; no homozygotes.

Submission:

Labcorp Genetics (formerly Invitae), Labcorp
Classification: Uncertain significance. Last evaluated: 2025-11-22. Review status: criteria provided, single submitter. Criteria: Invitae Variant Classification Sherloc (09022015). Collection method: clinical testing. Allele origin: germline.
Comment: This sequence change replaces serine, which is neutral and polar, with cysteine, which is neutral and slightly polar, at codon 996 of the DSCAML1 protein (p.Ser996Cys). This variant is present in population databases (no rsID available, gnomAD 0.01%). This variant has not been reported in the literature in individuals affected with DSCAML1-related conditions. ClinVar contains an entry for this variant (Variation ID: 1920434). An algorithm developed to predict the effect of missense changes on protein structure and function (PolyPhen-2) suggests that this variant is likely to be tolerated. In summary, the available evidence is currently insufficient to determine the role of this variant in disease. Therefore, it has been classified as a Variant of Uncertain Significance.